The following is an entry in ClinVar:

ClinVar aggregate classification (germline): Conflicting classifications of pathogenicity. Review status: criteria provided, conflicting classifications (1 of 4 stars). 2 submissions from 2 submitters: Uncertain significance (1); Likely benign (1). Last evaluated 2024-10-22.

Conditions:
Inborn genetic diseases. Identifiers: MedGen C0950123, MeSH D030342.

Allele frequency attached by ClinVar (database versions not stated): gnomAD 0.00004; gnomAD exomes 0.00005.
gnomAD v4.1: 81 of 1,613,856 alleles (0.005%); highest among the groups gnomAD compares: Non-Finnish European, 0.0063%; no homozygotes.

Submissions (2):

Labcorp Genetics (formerly Invitae), Labcorp
Classification: Uncertain significance. Last evaluated: 2024-10-22. Review status: criteria provided, single submitter. Criteria: Invitae Variant Classification Sherloc (09022015). Collection method: clinical testing. Allele origin: germline.
Comment: This sequence change replaces proline, which is neutral and non-polar, with leucine, which is neutral and non-polar, at codon 1313 of the SETD5 protein (p.Pro1313Leu). This variant is present in population databases (no rsID available, gnomAD 0.002%). This variant has not been reported in the literature in individuals affected with SETD5-related conditions. Invitae Evidence Modeling of protein sequence and biophysical properties (such as structural, functional, and spatial information, amino acid conservation, physicochemical variation, residue mobility, and thermodynamic stability) indicates that this missense variant is not expected to disrupt SETD5 protein function with a negative predictive value of 80%. In summary, the available evidence is currently insufficient to determine the role of this variant in disease. Therefore, it has been classified as a Variant of Uncertain Significance.

Ambry Genetics
Classification: Likely benign for Inborn genetic diseases. Last evaluated: 2023-11-09. Review status: criteria provided, single submitter. Criteria: Ambry Variant Classification Scheme 2023. Collection method: clinical testing. Allele origin: germline.

NM_001080517.3(SETD5):c.3938C>T (p.Pro1313Leu)

Gene: SETD5 (SET domain containing 5; plus strand). Cytogenetic location: 3p25.3.
Variant type: single nucleotide variant.
Coding change: c.3938C>T on transcript NM_001080517.3 (MANE Select); coding-DNA position 3938, C replaced by T.
Protein change: p.Pro1313Leu; replaces proline 1313 with leucine.
Molecular consequence: missense variant.
Genome position (GRCh38, 1-based): chr3:9,475,700, C>T. VCF-style: chr3-9475700-C-T. GRCh37 (hg19) VCF-style: chr3-9517384-C-T.
Other names: c.3644C>T, p.Pro1215Leu (NM_001292043.2, NM_001349451.2); c.3938C>T (NM_001080517.1); short protein forms P1313L, P1215L.
Identifiers: ClinVar variation 2721427 (VCV002721427.4), dbSNP rs1002403677, ClinGen allele CA69951975.